The following is an entry in ClinVar:

NM_000135.4(FANCA):c.3934+1G>A

Genes: ZNF276 (zinc finger protein 276; plus strand), FANCA (FA complementation group A; minus strand). Cytogenetic location: 16q24.3.
Variant type: single nucleotide variant.
Coding change: c.3934+1G>A on transcript NM_000135.4 (MANE Select); the canonical splice donor site of the intron after coding-DNA position 3934, G replaced by A.
Molecular consequence: splice donor variant. On other transcripts: 3 prime UTR variant (2), non-coding transcript variant (4).
Genome position (GRCh38, 1-based): chr16:89,739,993, C>T on the plus strand (G>A on the coding strand, the complement: FANCA is on the minus strand). VCF-style: chr16-89739993-C-T. GRCh37 (hg19) VCF-style: chr16-89806401-C-T.
Other names: c.*1747C>T (NM_001113525.2, NM_152287.4); c.3934+1G>A (NM_001286167.3).
Identifiers: ClinVar variation 974359 (VCV000974359.4), dbSNP rs2062087795, ClinGen allele CA397484888.

ClinVar aggregate classification (germline): Likely pathogenic. Review status: criteria provided, single submitter (1 of 4 stars). 2 submissions from 2 submitters: Likely pathogenic (1). 1 of the submissions does not count toward it. Last evaluated 2024-01-22.

Conditions:
Fanconi anemia (FA). Also called: Fanconi's anemia. Identifiers: Orphanet 84, MedGen C0015625, MeSH D005199, MONDO:0019391.
Fanconi anemia complementation group A (FANCA). Also called: Fanconi anemia, group A; FANCA-Related Fanconi Anemia. Identifiers: Orphanet 84, MedGen C3469521, MONDO:0009215, OMIM 227650.

Submissions (2):

Labcorp Genetics (formerly Invitae), Labcorp
Classification: Likely pathogenic for Fanconi anemia. Last evaluated: 2024-01-22. Review status: criteria provided, single submitter. Criteria: Invitae Variant Classification Sherloc (09022015). Collection method: clinical testing. Allele origin: germline.
Comment: This sequence change affects a donor splice site in intron 39 of the FANCA gene. It is expected to disrupt RNA splicing. Variants that disrupt the donor or acceptor splice site typically lead to a loss of protein function (PMID: 16199547), and loss-of-function variants in FANCA are known to be pathogenic (PMID: 19367192). This variant is not present in population databases (gnomAD no frequency). This variant has not been reported in the literature in individuals affected with FANCA-related conditions. ClinVar contains an entry for this variant (Variation ID: 974359). Algorithms developed to predict the effect of sequence changes on RNA splicing suggest that this variant may disrupt the consensus splice site. In summary, the currently available evidence indicates that the variant is pathogenic, but additional data are needed to prove that conclusively. Therefore, this variant has been classified as Likely Pathogenic.

Leiden Open Variation Database
Classification: Uncertain significance for Fanconi anemia complementation group A. Last evaluated: 2020-02-28. Review status: no assertion criteria provided. Collection method: curation. Allele origin: germline. Affected: yes. Not counted in ClinVar's aggregate classification.
Comment: Curator: Arleen D. Auerbach. Submitter to LOVD: Arleen D. Auerbach.

Literature cited by the submitters: PubMed 16199547 (cited by Labcorp Genetics (formerly Invitae), Labcorp); PubMed 19367192 (cited by Labcorp Genetics (formerly Invitae), Labcorp).